The following is an entry in ClinVar:

ClinVar aggregate classification (germline): Likely benign (0 of 4 stars; one submission).

Conditions:
IFT27-related disorder. Also called: IFT27-related condition.

Submission:

PreventionGenetics, part of Exact Sciences
Classification: Likely benign for IFT27-related condition. Last evaluated: 2023-02-09. Review status: no assertion criteria provided. Collection method: clinical testing. Allele origin: germline.
Comment: This variant is classified as likely benign based on ACMG/AMP sequence variant interpretation guidelines (Richards et al. 2015 PMID: 25741868, with internal and published modifications).

NM_001177701.3(IFT27):c.174+9T>C

Gene: IFT27 (intraflagellar transport 27; minus strand). Cytogenetic location: 22q12.3.
Variant type: single nucleotide variant.
Coding change: c.174+9T>C on transcript NM_001177701.3 (MANE Select); 9 bases into the intron after coding-DNA position 174, T replaced by C.
Molecular consequence: intron variant.
Genome position (GRCh38, 1-based): chr22:36,767,297, A>G on the plus strand (T>C on the coding strand, the complement: IFT27 is on the minus strand). VCF-style: chr22-36767297-A-G. GRCh37 (hg19) VCF-style: chr22-37163341-A-G.
Other names: c.174+9T>C (NM_001363003.2); c.171+9T>C (NM_006860.5).
Identifiers: ClinVar variation 3351002 (VCV003351002.1).
Genomic context (GRCh38, chr22:36,767,297, plus strand): 5'-GTGTGACCACAGAGACCCTGGGCCCAGCTGGGGGAGCCCTGAGTTCCCCTGGGTAAAGGC[A>G]TCACTCACCACACTGTCTCCCGTGTCAGGAACTGGCACTGTCTTCACCACCAAATCCATT-3'